The following is an entry in ClinVar:

ClinVar aggregate classification (germline): Uncertain significance (1 of 4 stars; one submission).

Conditions:
Niemann-Pick disease, type A. Also called: Infantile Neurovisceral ASMD (Niemann-Pick Disease Type A; NPD-A); SPHINGOMYELIN LIPIDOSIS; SPHINGOMYELINASE DEFICIENCY. Identifiers: Orphanet 77292, MedGen C0268242, MONDO:0009756, OMIM 257200. Disease mechanism: loss of function.

Submission:

Neuberg Centre For Genomic Medicine, NCGM
Classification: Uncertain significance for Niemann-Pick disease, type A. Review status: criteria provided, single submitter. Criteria: ACMG Guidelines, 2015. Collection method: clinical testing. Allele origin: germline. Inheritance: Autosomal recessive inheritance. Affected: yes.
Comment: The c.338G>T (p.Arg113Leu) missense variant in SMPD1 gene has not been reported previously as a pathogenic variant nor as a benign variant, to our knowledge. The p.Arg113Leu variant is novel (not in any individuals) in gnomAD Exomes and 1000 Genomes. The amino acid Arg at position 113 is changed to a Leu changing protein sequence and it might alter its composition and physico-chemical properties. The amino acid change p.Arg113Leu in SMPD1 is predicted as conserved by GERP++ and PhyloP across 100 vertebrates. For these reasons, this variant has been classified as Variant of Uncertain Significance (VUS).

NM_000543.5(SMPD1):c.338G>T (p.Arg113Leu)

Gene: SMPD1 (sphingomyelin phosphodiesterase 1; plus strand). Cytogenetic location: 11p15.4.
Variant type: single nucleotide variant.
Coding change: c.338G>T on transcript NM_000543.5 (MANE Select); coding-DNA position 338, G replaced by T.
Protein change: p.Arg113Leu; replaces arginine 113 with leucine.
Molecular consequence: missense variant. On other transcripts: 5 prime UTR variant (1), non-coding transcript variant (2).
Genome position (GRCh38, 1-based): chr11:6,391,403, G>T. VCF-style: chr11-6391403-G-T. GRCh37 (hg19) VCF-style: chr11-6412633-G-T.
Other names: c.335G>T, p.Arg112Leu (NM_001007593.3); c.338G>T, p.Arg113Leu (NM_001318087.2, NM_001365135.2); c.-624G>T (NM_001318088.2); short protein forms R112L, R113L.
Identifiers: ClinVar variation 2627961 (VCV002627961.1), dbSNP rs149770879, ClinGen allele CA379368694.